The following is an entry in ClinVar:

NM_032578.4(MYPN):c.3661A>G (p.Met1221Val)

Gene: MYPN (myopalladin; plus strand). Cytogenetic location: 10q21.3.
Variant type: single nucleotide variant.
Coding change: c.3661A>G on transcript NM_032578.4 (MANE Select); coding-DNA position 3661, A replaced by G.
Protein change: p.Met1221Val; replaces methionine 1221 with valine.
Molecular consequence: missense variant. On other transcripts: non-coding transcript variant (2).
Genome position (GRCh38, 1-based): chr10:68,206,771, A>G. VCF-style: chr10-68206771-A-G. GRCh37 (hg19) VCF-style: chr10-69966528-A-G.
Other names: c.3661A>G, p.Met1221Val (NM_001256267.2); c.2779A>G, p.Met927Val (NM_001256268.2); short protein forms M1221V, M927V.
Identifiers: ClinVar variation 572878 (VCV000572878.12), dbSNP rs1564702434, ClinGen allele CA376828080.
Genomic context (GRCh38, chr10:68,206,771, plus strand): 5'-TTGACAAAGGCATTTCTGCCCCCCGATAAAATATAGGTATATTCTCTCTTTTTCTCCAGT[A>G]TGCACCAGGACACAACAGGGTATGCCTGCCTTCTCATTCAGCCAGCCAAGAAATCAGACG-3'
Protein context (NP_115967.2, residues 1211-1231): TIPCTRERIS[Met1221Val]HQDTTGYACL

ClinVar aggregate classification (germline): Uncertain significance. Review status: criteria provided, multiple submitters, no conflicts (2 of 4 stars). 2 submissions from 2 submitters: Uncertain significance (2). Last evaluated 2022-02-02.

Conditions:
MYPN-related myopathy (CMYO24). Also called: Nemaline myopathy 11, autosomal recessive. Identifiers: MedGen C4479186, MONDO:0015023, OMIM 617336.
Dilated cardiomyopathy 1KK (CMD1KK). Identifiers: Orphanet 154, Orphanet 75249, MedGen C3714995, MONDO:0014100, OMIM 615248.

Submissions (2):

Fulgent Genetics
Classification: Uncertain significance for Dilated cardiomyopathy 1KK; MYPN-related myopathy. Last evaluated: 2022-02-02. Review status: criteria provided, single submitter. Criteria: ACMG Guidelines, 2015. Collection method: clinical testing. Allele origin: unknown.

Labcorp Genetics (formerly Invitae), Labcorp
Classification: Uncertain significance for Dilated cardiomyopathy 1KK. Last evaluated: 2019-07-30. Review status: criteria provided, single submitter. Criteria: Invitae Variant Classification Sherloc (09022015). Collection method: clinical testing. Allele origin: germline.
Comment: In summary, the available evidence is currently insufficient to determine the role of this variant in disease. Therefore, it has been classified as a Variant of Uncertain Significance. Algorithms developed to predict the effect of missense changes on protein structure and function do not agree on the potential impact of this missense change (SIFT: "Tolerated"; PolyPhen-2: "Probably Damaging"; Align-GVGD: "Class C0"). This variant has not been reported in the literature in individuals with MYPN-related disease. This variant is not present in population databases (ExAC no frequency). This sequence change replaces methionine with valine at codon 1221 of the MYPN protein (p.Met1221Val). The methionine residue is highly conserved and there is a small physicochemical difference between methionine and valine.